The following is an entry in ClinVar:

NM_015330.6(SPECC1L):c.2828-11_2828-10del

Genes: SPECC1L (sperm antigen with calponin homology and coiled-coil domains 1 like; plus strand), SPECC1L-ADORA2A (SPECC1L-ADORA2A readthrough (NMD candidate); plus strand). Cytogenetic location: 22q11.23.
Variant type: Deletion.
Coding change: c.2828-11_2828-10del on transcript NM_015330.6 (MANE Select); 11 bases into the intron before coding-DNA position 2828 through 10 bases into the intron before coding-DNA position 2828, 2 bases deleted (AT; older notation c.2828-11_2828-10delAT).
Molecular consequence: intron variant.
Genome position (GRCh38, 1-based): chr22:24,365,465-24,365,466, AT deleted; deleting any 2 consecutive bases within chr22:24,365,464-24,365,466 gives the same sequence; the c. name uses the placement nearest the transcript's 3' end. VCF-style (leftmost placement, unchanged base first): chr22-24365463-CTA-C. GRCh37 (hg19) VCF-style: chr22-24761431-CTA-C.
Other names: c.2828-11_2828-10del (NM_001145468.4, NM_001254732.3); c.26-11_26-10del (NM_001254733.2).
Identifiers: ClinVar variation 2956422 (VCV002956422.3), dbSNP rs753284760, ClinGen allele CA10152466.

ClinVar aggregate classification (germline): Uncertain significance (1 of 4 stars; one submission).

Submission:

Labcorp Genetics (formerly Invitae), Labcorp
Classification: Uncertain significance. Last evaluated: 2024-05-20. Review status: criteria provided, single submitter. Criteria: Invitae Variant Classification Sherloc (09022015). Collection method: clinical testing. Allele origin: germline.
Comment: This sequence change falls in intron 12 of the SPECC1L gene. It does not directly change the encoded amino acid sequence of the SPECC1L protein. This variant is present in population databases (rs753284760, gnomAD 0.008%). This variant has not been reported in the literature in individuals affected with SPECC1L-related conditions. Algorithms developed to predict the effect of sequence changes on RNA splicing suggest that this variant may disrupt the consensus splice site. In summary, the available evidence is currently insufficient to determine the role of this variant in disease. Therefore, it has been classified as a Variant of Uncertain Significance.